The following is an entry in ClinVar:

NM_000360.4(TH):c.617T>C (p.Ile206Thr)

Gene: TH (tyrosine hydroxylase; minus strand). Cytogenetic location: 11p15.5.
Variant type: single nucleotide variant.
Coding change: c.617T>C on transcript NM_000360.4 (MANE Select); coding-DNA position 617, T replaced by C.
Protein change: p.Ile206Thr; replaces isoleucine 206 with threonine.
Molecular consequence: missense variant.
Genome position (GRCh38, 1-based): chr11:2,167,893, A>G on the plus strand (T>C on the coding strand, the complement: TH is on the minus strand). VCF-style: chr11-2167893-A-G. GRCh37 (hg19) VCF-style: chr11-2189123-A-G.
Other names: c.710T>C, p.Ile237Thr (NM_199292.3); c.698T>C, p.Ile233Thr (NM_199293.3); short protein forms I206T, I233T, I237T.
Identifiers: ClinVar variation 2437075 (VCV002437075.5), dbSNP rs2495815684, ClinGen allele CA379128057.

ClinVar aggregate classification (germline): Uncertain significance. Review status: criteria provided, multiple submitters, no conflicts (2 of 4 stars). 2 submissions from 2 submitters: Uncertain significance (2). Last evaluated 2025-12-17.

Conditions:
TH-deficient dopa-responsive dystonia. Also called: Tyrosine Hydroxylase-Deficient Dopa-Responsive Dystonia; Segawa syndrome, autosomal recessive; DYT-TH. Identifiers: Orphanet 101150, MedGen C2673535, MONDO:0011551, OMIM 605407.

Submissions (2):

3billion
Classification: Uncertain significance for TH-deficient dopa-responsive dystonia. Last evaluated: 2025-12-17. Review status: criteria provided, single submitter. Criteria: ACMG Guidelines, 2015. Collection method: clinical testing. Allele origin: germline. Affected: yes.
Comment: The variant is not observed in the gnomAD v4.1.0 dataset. Predicted Consequence/Location: Missense variant In silico tool predictions suggest damaging effect of the variant on gene or gene product [REVEL: 0.90 (>=0.6, sensitivity 0.68 and specificity 0.92); 3Cnet: 0.85 (> 0.75, sensitivity 0.96 and precision 0.92)]. The same nucleotide change resulting in the same amino acid change has been previously reported to be associated with TH-related disorder (PMID: 32872068). However, the evidence of pathogenicity is insufficient at this time. Therefore, this variant is classified as VUS according to the recommendation of ACMG/AMP guideline.

Revvity Omics, Revvity
Classification: Uncertain significance for TH-deficient dopa-responsive dystonia. Last evaluated: 2020-03-04. Review status: criteria provided, single submitter. Criteria: ACMG Guidelines, 2015. Collection method: clinical testing. Allele origin: germline.

Literature cited by the submitters: PubMed 32872068 (cited by 3billion).